The following is an entry in ClinVar:

NM_032119.4(ADGRV1):c.3838G>A (p.Asp1280Asn)

Gene: ADGRV1 (adhesion G protein-coupled receptor V1; plus strand). Cytogenetic location: 5q14.3.
Variant type: single nucleotide variant.
Coding change: c.3838G>A on transcript NM_032119.4 (MANE Select); coding-DNA position 3838, G replaced by A.
Protein change: p.Asp1280Asn; replaces aspartic acid 1280 with asparagine.
Molecular consequence: missense variant. On other transcripts: non-coding transcript variant (1).
Genome position (GRCh38, 1-based): chr5:90,653,412, G>A. VCF-style: chr5-90653412-G-A. GRCh37 (hg19) VCF-style: chr5-89949229-G-A.
Other names: short protein forms D1280N.
Identifiers: ClinVar variation 1023144 (VCV001023144.12), dbSNP rs184031236, ClinGen allele CA3339247.
Genomic context (GRCh38, chr5:90,653,412, plus strand): 5'-GAAGATGATATGTCTTATATTACCAACTTCACCATTTTGAGGCAGCAGGGTGTGTTTGGT[G>A]ATGTACAACTGGGCTGGGAAATACTGTCCAGTGAGTTCCCTGCTGGTTTGCCACCAATGA-3'
Protein context (NP_115495.3, residues 1270-1290): TILRQQGVFG[Asp1280Asn]VQLGWEILSS

ClinVar aggregate classification (germline): Conflicting classifications of pathogenicity. Review status: criteria provided, conflicting classifications (1 of 4 stars). 4 submissions from 4 submitters: Uncertain significance (2); Likely benign (1). 1 of the submissions does not count toward it. Last evaluated 2026-01-27.

Conditions:
Retinal dystrophy. Also called: Inherited retinal dystrophy. Identifiers: Orphanet 71862, MedGen C0854723, MeSH D058499, MONDO:0019118, HP:0000556.

Allele frequency attached by ClinVar (database versions not stated): gnomAD exomes 0.00002 and 0.00006; ESP Exome Variant Server 0.00008; ExAC 0.00002; 1000 Genomes Project 30x 0.00031; gnomAD 0.00002 and 0.00003; 1000 Genomes Project 0.00020; TOPMed 0.00002.
gnomAD v4.1: 98 of 1,613,964 alleles (0.0061%); highest among the groups gnomAD compares: Non-Finnish European, 0.0076%; no homozygotes.

Submissions (4):

Labcorp Genetics (formerly Invitae), Labcorp
Classification: Likely benign. Last evaluated: 2026-01-27. Review status: criteria provided, single submitter. Criteria: Invitae Variant Classification Sherloc (09022015). Collection method: clinical testing. Allele origin: germline.

Blueprint Genetics
Classification: Uncertain significance. Last evaluated: 2024-09-20. Review status: criteria provided, single submitter. Criteria: ACMG Guidelines, 2015. Collection method: clinical testing. Allele origin: germline.

GeneDx
Classification: Uncertain significance. Last evaluated: 2021-05-20. Review status: criteria provided, single submitter. Criteria: GeneDx Variant Classification Process June 2021. Collection method: clinical testing. Allele origin: germline. Affected: yes.
Comment: Not observed at a significant frequency in large population cohorts (Lek et al., 2016); In silico analysis supports that this missense variant does not alter protein structure/function; Has not been previously published as pathogenic or benign to our knowledge

Institute of Human Genetics, Univ. Regensburg, Univ. Regensburg
Classification: Uncertain significance for Retinal dystrophy. Last evaluated: 2023-01-01. Review status: no assertion criteria provided. Criteria: ACMG Guidelines, 2015. Collection method: clinical testing. Allele origin: germline. Affected: yes. Not counted in ClinVar's aggregate classification.